The following is an entry in ClinVar:

ClinVar aggregate classification (germline): Conflicting classifications of pathogenicity. Review status: criteria provided, conflicting classifications (1 of 4 stars). 12 submissions from 12 submitters: Uncertain significance (3); Benign (1); Likely benign (6). 2 of the submissions do not count toward it. Last evaluated 2026-01-01.

Conditions:
Hereditary cancer-predisposing syndrome. Also called: Neoplastic Syndromes, Hereditary; Tumor predisposition; Hereditary Cancer Syndrome; Hereditary neoplastic syndrome. Identifiers: Orphanet 140162, MedGen C0027672, MeSH D009386, MONDO:0015356.
Hereditary breast ovarian cancer syndrome. Also called: Hereditary breast and ovarian cancer; Breast and ovarian cancer; Hereditary breast and/or ovarian cancer syndrome; Hereditary breast and ovarian cancer syndrome (HBOC); Hereditary breast and ovarian cancer syndrome; BRCA1- and BRCA2-Associated Hereditary Breast and Ovarian Cancer. Identifiers: Orphanet 145, MedGen C0677776, MeSH D061325, MONDO:0003582. Disease mechanism: loss of function.
Breast-ovarian cancer, familial, susceptibility to, 2 (BROVCA2). Also called: BRCA2 Hereditary Breast and Ovarian Cancer. Identifiers: Orphanet 145, MedGen C2675520, MONDO:0012933, OMIM 612555. Disease mechanism: loss of function.
Familial cancer of breast. Also called: BREAST CANCER, FAMILIAL; Hereditary breast cancer; hereditary breast carcinoma. Identifiers: Orphanet 227535, MedGen C0346153, MONDO:0016419, OMIM 114480. Disease mechanism: loss of function.

Allele frequency attached by ClinVar (database versions not stated): TOPMed 0.00002.
gnomAD v4.1: 22 of 1,613,784 alleles (0.0014%); highest among the groups gnomAD compares: East Asian, 0.0089%; no homozygotes.

Submissions (12):

Labcorp Genetics (formerly Invitae), Labcorp
Classification: Likely benign for Hereditary breast ovarian cancer syndrome. Last evaluated: 2026-01-01. Review status: criteria provided, single submitter. Criteria: Invitae Variant Classification Sherloc (09022015). Collection method: clinical testing. Allele origin: germline.

CeGaT Center for Human Genetics Tuebingen
Classification: Likely benign. Last evaluated: 2024-09-01. Review status: criteria provided, single submitter. Criteria: CeGaT Center For Human Genetics Tuebingen Variant Classification Criteria Version 2. Collection method: clinical testing. Allele origin: germline. Affected: yes. Observed: 1 variant allele.
Comment: BRCA2: BP4

Women's Health and Genetics/Laboratory Corporation of America, LabCorp
Classification: Uncertain significance. Last evaluated: 2024-06-12. Review status: criteria provided, single submitter. Criteria: LabCorp Variant Classification Summary - May 2015. Collection method: clinical testing. Allele origin: germline.
Comment: Variant summary: BRCA2 c.1166C>T (p.Pro389Leu) results in a non-conservative amino acid change in the encoded protein sequence. Four of five in-silico tools predict a benign effect of the variant on protein function. The variant allele was found at a frequency of 4e-05 in 250046 control chromosomes. This frequency is not significantly higher than estimated for a pathogenic variant in BRCA2 causing Hereditary Breast And Ovarian Cancer Syndrome (4e-05 vs 0.00075), allowing no conclusion about variant significance. c.1166C>T has been reported in the literature in individuals affected with Hereditary Breast And Ovarian Cancer Syndrome without evidence for causality. These report(s) do not provide unequivocal conclusions about association of the variant with Hereditary Breast And Ovarian Cancer Syndrome. To our knowledge, no experimental evidence demonstrating an impact on protein function has been reported. The following publications have been ascertained in the context of this evaluation (PMID: 27616075, 35918668, 35534704). ClinVar contains an entry for this variant (Variation ID: 37727). Based on the evidence outlined above, the variant was classified as uncertain significance.

University of Washington Department of Laboratory Medicine, University of Washington
Classification: Likely benign for Hereditary cancer-predisposing syndrome. Last evaluated: 2023-03-23. Review status: criteria provided, single submitter. Criteria: Dines et al. (Genet Med. 2020). Collection method: curation. Allele origin: germline.
Comment: Missense variant in a coldspot region where missense variants are very unlikely to be pathogenic (PMID:31911673).

BRCA2 exon 10 coldspot. Reclassification based on statistical prior probability.

National Health Laboratory Service, Universitas Academic Hospital and University of the Free State
Classification: Likely benign for Hereditary breast ovarian cancer syndrome. Last evaluated: 2021-11-16. Review status: criteria provided, single submitter. Criteria: ACMG Guidelines, 2015. Collection method: clinical testing. Allele origin: germline. Affected: yes. Observed: 1 variant allele.

Sema4
Classification: Uncertain significance for Hereditary cancer-predisposing syndrome. Last evaluated: 2021-08-10. Review status: criteria provided, single submitter. Criteria: Sema4 Curation Guidelines. Collection method: curation. Allele origin: germline.
Comment: The BRCA2 c.1166C>T (p.P289L) variant has been reported in heterozygosity in at least two individuals with breast cancer and two with ovarian cancer (PMID: 27616075, 33526602, 32091409). This variant was observed in 9/18380 chromosomes in the East Asian population according to the Genome Aggregation Database (PMID: 32461654). The variant has been reported in ClinVar (Variation ID 37727). Functional studies have not been performed, and in silico predictions of the variant's effect on protein function are inconclusive. The evidence is insufficient to meet ACMG/AMP criteria for classifying the variant as benign or pathogenic. Thus, the clinical significance of this variant is currently uncertain.

GeneDx
Classification: Likely benign. Last evaluated: 2019-03-12. Review status: criteria provided, single submitter. Criteria: GeneDx Variant Classification Process June 2021. Collection method: clinical testing. Allele origin: germline. Affected: yes.
Comment: This variant is associated with the following publications: (PMID: 27616075)

Ambry Genetics
Classification: Likely benign for Hereditary cancer-predisposing syndrome. Last evaluated: 2019-03-08. Review status: criteria provided, single submitter. Criteria: Ambry Variant Classification Scheme 2023. Collection method: clinical testing. Allele origin: germline.

Color Diagnostics, LLC DBA Color Health
Classification: Benign for Hereditary cancer-predisposing syndrome. Last evaluated: 2016-09-14. Review status: criteria provided, single submitter. Criteria: ACMG Guidelines, 2015. Collection method: clinical testing. Allele origin: germline.

Quest Diagnostics Nichols Institute San Juan Capistrano
Classification: Uncertain significance. Last evaluated: 2016-08-10. Review status: criteria provided, single submitter. Criteria: Quest Diagnostics criteria. Collection method: clinical testing. Allele origin: germline.

Sharing Clinical Reports Project (SCRP)
Classification: Benign for Breast-ovarian cancer, familial 2. Last evaluated: 2012-05-31. Review status: no assertion criteria provided. Collection method: clinical testing. Allele origin: germline. Not counted in ClinVar's aggregate classification.

Center for Precision Medicine, Meizhou People's Hospital
Classification: Likely benign for Familial cancer of breast. Review status: no assertion criteria provided. Collection method: literature only. Allele origin: germline. Affected: yes. Not counted in ClinVar's aggregate classification.

Literature cited by the submitters: PubMed 27616075 (cited by Women's Health and Genetics/Laboratory Corporation of America, LabCorp and Sema4); PubMed 35918668 (cited by Women's Health and Genetics/Laboratory Corporation of America, LabCorp); PubMed 35534704 (cited by Women's Health and Genetics/Laboratory Corporation of America, LabCorp); DOI 10.3389/fgene.2022.834265 (cited by National Health Laboratory Service, Universitas Academic Hospital and University of the Free State); PubMed 33526602 (cited by Sema4); PubMed 32091409 (cited by Sema4); PubMed 35464868 (cited by Center for Precision Medicine, Meizhou People's Hospital).

NM_000059.4(BRCA2):c.1166C>T (p.Pro389Leu)

Gene: BRCA2 (BRCA2 DNA repair associated; plus strand). Cytogenetic location: 13q13.1.
Variant type: single nucleotide variant.
Coding change: c.1166C>T on transcript NM_000059.4 (MANE Select); coding-DNA position 1166, C replaced by T.
Protein change: p.Pro389Leu; replaces proline 389 with leucine.
Molecular consequence: missense variant.
Genome position (GRCh38, 1-based): chr13:32,332,644, C>T. VCF-style: chr13-32332644-C-T. GRCh37 (hg19) VCF-style: chr13-32906781-C-T.
Other names: NP_000050.3:p.Pro389Leu; 1394C>T; short protein forms P389L.
Identifiers: ClinVar variation 37727 (VCV000037727.54), dbSNP rs397507263, ClinGen allele CA011022.